The following is an entry in ClinVar:

ClinVar aggregate classification (germline): Uncertain significance (1 of 4 stars; one submission).

Conditions:
Dyskeratosis congenita, autosomal recessive 6 (DKCB6). Identifiers: MedGen C4225356, MONDO:0014600, OMIM 616353.
Pulmonary fibrosis and/or bone marrow failure, Telomere-related, 4. Also called: PULMONARY FIBROSIS AND/OR BONE MARROW FAILURE SYNDROME, TELOMERE-RELATED, 4. Identifiers: Orphanet 2032, MedGen C4225347, MONDO:0014612, OMIM 616371.

Submission:

Labcorp Genetics (formerly Invitae), Labcorp
Classification: Uncertain significance for Dyskeratosis congenita, autosomal recessive 6; Pulmonary fibrosis and/or bone marrow failure, Telomere-related, 4. Last evaluated: 2022-03-22. Review status: criteria provided, single submitter. Criteria: Invitae Variant Classification Sherloc (09022015). Collection method: clinical testing. Allele origin: germline.
Comment: This sequence change replaces lysine, which is basic and polar, with arginine, which is basic and polar, at codon 606 of the PARN protein (p.Lys606Arg). This variant is not present in population databases (gnomAD no frequency). This variant has not been reported in the literature in individuals affected with PARN-related conditions. Algorithms developed to predict the effect of missense changes on protein structure and function output the following: SIFT: "Tolerated"; PolyPhen-2: "Benign"; Align-GVGD: "Class C0". The arginine amino acid residue is found in multiple mammalian species, which suggests that this missense change does not adversely affect protein function. In summary, the available evidence is currently insufficient to determine the role of this variant in disease. Therefore, it has been classified as a Variant of Uncertain Significance.

NM_002582.4(PARN):c.1817A>G (p.Lys606Arg)

Gene: PARN (poly(A)-specific ribonuclease; minus strand). Cytogenetic location: 16p13.12.
Variant type: single nucleotide variant.
Coding change: c.1817A>G on transcript NM_002582.4 (MANE Select); coding-DNA position 1817, A replaced by G.
Protein change: p.Lys606Arg; replaces lysine 606 with arginine.
Molecular consequence: missense variant.
Genome position (GRCh38, 1-based): chr16:14,446,935, T>C on the plus strand (A>G on the coding strand, the complement: PARN is on the minus strand). VCF-style: chr16-14446935-T-C. GRCh37 (hg19) VCF-style: chr16-14540792-T-C.
Other names: c.1634A>G, p.Lys545Arg (NM_001134477.3); c.1679A>G, p.Lys560Arg (NM_001242992.2); short protein forms K545R, K606R, K560R.
Identifiers: ClinVar variation 2115748 (VCV002115748.4), dbSNP rs2506559197, ClinGen allele CA395184307.